The following is an entry in ClinVar:

NM_031885.5(BBS2):c.1981C>T (p.Arg661Cys)

Gene: BBS2 (Bardet-Biedl syndrome 2; minus strand). Cytogenetic location: 16q13.
Variant type: single nucleotide variant.
Coding change: c.1981C>T on transcript NM_031885.5 (MANE Select); coding-DNA position 1981, C replaced by T.
Protein change: p.Arg661Cys; replaces arginine 661 with cysteine.
Molecular consequence: missense variant. On other transcripts: non-coding transcript variant (5).
Genome position (GRCh38, 1-based): chr16:56,485,668, G>A on the plus strand (C>T on the coding strand, the complement: BBS2 is on the minus strand). VCF-style: chr16-56485668-G-A. GRCh37 (hg19) VCF-style: chr16-56519580-G-A.
Other names: c.1981C>T, p.Arg661Cys (NM_001377456.1); c.1981C>T (NM_031885.3); short protein forms R661C.
Identifiers: ClinVar variation 1518264 (VCV001518264.7), dbSNP rs766476238, ClinGen allele CA8065564.

ClinVar aggregate classification (germline): Uncertain significance. Review status: criteria provided, multiple submitters, no conflicts (2 of 4 stars). 3 submissions from 3 submitters: Uncertain significance (2). 1 of the submissions does not count toward it. Last evaluated 2024-08-08.

Conditions:
Bardet-Biedl syndrome (BBS). Identifiers: Orphanet 110, MedGen C0752166, MONDO:0015229.
BBS2-related disorder. Also called: BBS2-related condition; BBS2-related disorders. Identifiers: MedGen CN239228.

Allele frequency attached by ClinVar (database versions not stated): gnomAD 0.00001 and 0.00002; TOPMed 0.00001; ExAC 0.00002; gnomAD exomes 0.00002.
gnomAD v4.1: 20 of 1,613,612 alleles (0.0012%); highest among the groups gnomAD compares: South Asian, 0.0077%; 1 homozygote.

Submissions (3):

Blueprint Genetics
Classification: Uncertain significance. Last evaluated: 2024-08-08. Review status: criteria provided, single submitter. Criteria: ACMG Guidelines, 2015. Collection method: clinical testing. Allele origin: germline.

Labcorp Genetics (formerly Invitae), Labcorp
Classification: Uncertain significance for Bardet-Biedl syndrome. Last evaluated: 2021-09-24. Review status: criteria provided, single submitter. Criteria: Invitae Variant Classification Sherloc (09022015). Collection method: clinical testing. Allele origin: germline.
Comment: This sequence change replaces arginine with cysteine at codon 661 of the BBS2 protein (p.Arg661Cys). The arginine residue is highly conserved and there is a large physicochemical difference between arginine and cysteine. This variant is present in population databases (rs766476238, ExAC 0.02%). This variant has not been reported in the literature in individuals with BBS2-related conditions. Algorithms developed to predict the effect of missense changes on protein structure and function (SIFT, PolyPhen-2, Align-GVGD) all suggest that this variant is likely to be disruptive, but these predictions have not been confirmed by published functional studies and their clinical significance is uncertain. In summary, the available evidence is currently insufficient to determine the role of this variant in disease. Therefore, it has been classified as a Variant of Uncertain Significance.

PreventionGenetics, part of Exact Sciences
Classification: Uncertain significance for BBS2-related condition. Last evaluated: 2024-08-21. Review status: no assertion criteria provided. Collection method: clinical testing. Allele origin: germline. Not counted in ClinVar's aggregate classification.
Comment: The BBS2 c.1981C>T variant is predicted to result in the amino acid substitution p.Arg661Cys. To our knowledge, this variant has not been reported in the literature. This variant is reported in 0.0065% of alleles in individuals of South Asian descent in gnomAD. At this time, the clinical significance of this variant is uncertain due to the absence of conclusive functional and genetic evidence.